The following is an entry in ClinVar:

ClinVar aggregate classification (germline): Likely benign (0 of 4 stars; one submission).

Conditions:
GON4L-related disorder. Also called: GON4L-related condition.

Allele frequency attached by ClinVar (database versions not stated): 1000 Genomes Project 30x 0.00031; gnomAD 0.00076; TOPMed 0.00084; ExAC 0.00089; ESP Exome Variant Server 0.00103; gnomAD exomes 0.00127.
gnomAD v4.1: 1,861 of 1,541,238 alleles (0.12%); highest among the groups gnomAD compares: Non-Finnish European, 0.15%; 3 homozygotes.

Submissions (5):

PreventionGenetics, part of Exact Sciences
Classification: Likely benign for GON4L-related condition. Last evaluated: 2019-08-23. Review status: no assertion criteria provided. Collection method: clinical testing. Allele origin: germline.
Comment: This variant is classified as likely benign based on ACMG/AMP sequence variant interpretation guidelines (Richards et al. 2015 PMID: 25741868, with internal and published modifications).

Dr. Peter K. Rogan Lab, Western University
No classification provided (evidence only). Condition: Clear cell carcinoma of kidney. Review status: no classification provided. Collection method: in vitro. Allele origin: not applicable. Functional consequence: retained intron. Not counted in ClinVar's aggregate classification.

Dr. Peter K. Rogan Lab, Western University
No classification provided (evidence only). Condition: Colorectal cancer. Review status: no classification provided. Collection method: in vitro. Allele origin: not applicable. Functional consequence: retained intron. Not counted in ClinVar's aggregate classification.

Dr. Peter K. Rogan Lab, Western University
No classification provided (evidence only). Condition: Malignant tumor of esophagus. Review status: no classification provided. Collection method: in vitro. Allele origin: not applicable. Functional consequence: retained intron. Not counted in ClinVar's aggregate classification.

Dr. Peter K. Rogan Lab, Western University
No classification provided (evidence only). Condition: Ovarian cancer. Review status: no classification provided. Collection method: in vitro. Allele origin: not applicable. Functional consequence: retained intron. Not counted in ClinVar's aggregate classification.

NM_001282860.2(GON4L):c.4474-3C>T

Gene: GON4L (gon-4 like; minus strand). Cytogenetic location: 1q22.
Variant type: single nucleotide variant.
Coding change: c.4474-3C>T on transcript NM_001282860.2 (MANE Select); 3 bases into the intron before coding-DNA position 4474, C replaced by T.
Molecular consequence: intron variant.
Genome position (GRCh38, 1-based): chr1:155,763,567, G>A on the plus strand (C>T on the coding strand, the complement: GON4L is on the minus strand). VCF-style: chr1-155763567-G-A. GRCh37 (hg19) VCF-style: chr1-155733358-G-A.
Other names: NC_000001.10:g.155733358G>A; c.4474-3C>T (NM_001282856.2, NM_001282858.2).
Identifiers: ClinVar variation 3049889 (VCV003049889.3), dbSNP rs72706143, ClinGen allele CA1150398.
Genomic context (GRCh38, chr1:155,763,567, plus strand): 5'-CACCCTCCTGACTCATGCGCCTTTCAGATGCCAGCCAAGTCAGTTTCTCCATTGTTTCCT[G>A]TAAAACCCTCCAAAGAGTACTTATAATGGCTCTTAGTGGCTCATGAATTGCAAACAACAC-3'